The following is an entry in ClinVar:

NM_000124.4(ERCC6):c.3052dup (p.Thr1018fs)

Gene: ERCC6 (ERCC excision repair 6, chromatin remodeling factor; minus strand). Cytogenetic location: 10q11.23.
Variant type: Duplication.
Coding change: c.3052dup on transcript NM_000124.4 (MANE Select); coding-DNA position 3052, one base duplicated (A; older notation c.3052dupA).
Protein change: p.Thr1018fs; shifts the reading frame from threonine 1018.
Molecular consequence: frameshift variant.
Genome position (GRCh38, 1-based): chr10:49,470,993, T duplicated on the plus strand (A on the coding strand, the reverse complement: ERCC6 is on the minus strand); the first of 3 consecutive T bases (chr10:49,470,993-49,470,995); duplicating any one gives the same sequence. VCF-style (leftmost placement, unchanged base first): chr10-49470992-G-GT. GRCh37 (hg19) VCF-style: chr10-50679038-G-GT.
Other names: c.3052dup (NM_000124.2); c.3052dup, p.Thr1018fs (NM_001346440.2); short protein forms T1018fs.
Identifiers: ClinVar variation 4076583 (VCV004076583.1).
Genomic context (GRCh38, chr10:49,470,992, plus strand): 5'-TTGTGCAATTGATTACTTTAAATTAAATGATTTTATGTAATACCTGCAAAAATTGCACTT[G>GT]TTTCAGTGCTCTGGGATGCATCAGGACTAGTCAGAGTAAATAGCTCATAGAGATCATTGG-3'

ClinVar aggregate classification (germline): Pathogenic (1 of 4 stars; one submission).

Submission:

GeneDx
Classification: Pathogenic. Last evaluated: 2025-02-20. Review status: criteria provided, single submitter. Criteria: GeneDx Variant Classification Process June 2021. Collection method: clinical testing. Allele origin: germline. Affected: yes.
Comment: Frameshift variant predicted to result in protein truncation or nonsense mediated decay in a gene for which loss of function is a known mechanism of disease; Not observed at significant frequency in large population cohorts (gnomAD); This variant is associated with the following publications: (PMID: 29572252)